The following is an entry in ClinVar:

ClinVar aggregate classification (germline): Benign/Likely benign. Review status: criteria provided, multiple submitters, no conflicts (2 of 4 stars). 8 submissions from 8 submitters: Benign (1); Likely benign (4). 3 of the submissions do not count toward it. Last evaluated 2026-01-26.

Conditions:
ATRX-related disorder. Also called: ATRX-related condition.
ATR-X-related syndrome. Identifiers: MedGen CN257940, MONDO:0016980.
Alpha thalassemia-X-linked intellectual disability syndrome (ATRX). Also called: ATR-X syndrome; Alpha thalassemia mental retardation syndrome, nondeletion type, X-linked; XLMR hypotonic face syndrome; ALPHA-THALASSEMIA/MENTAL RETARDATION SYNDROME, X-LINKED; ATR, NONDELETION TYPE; X-linked alpha-thalassemia-mental retardation syndrome. Identifiers: Orphanet 847, MedGen C1845055, MONDO:0010519, OMIM 301040.

Allele frequency attached by ClinVar (database versions not stated): gnomAD exomes 0.00022 and 0.00030; ExAC 0.00021; gnomAD 0.00026 and 0.00027; ESP Exome Variant Server 0.00019; TOPMed 0.00021.
gnomAD v4.1: 366 of 1,208,729 alleles (0.03%); highest among the groups gnomAD compares: Non-Finnish European, 0.034%; no homozygotes.

Submissions (8):

Labcorp Genetics (formerly Invitae), Labcorp
Classification: Benign for Alpha thalassemia-X-linked intellectual disability syndrome. Last evaluated: 2026-01-26. Review status: criteria provided, single submitter. Criteria: Invitae Variant Classification Sherloc (09022015). Collection method: clinical testing. Allele origin: germline.

Blueprint Genetics
Classification: Likely benign. Last evaluated: 2024-09-12. Review status: criteria provided, single submitter. Criteria: ACMG Guidelines, 2015. Collection method: clinical testing. Allele origin: germline.

CeGaT Center for Human Genetics Tuebingen
Classification: Likely benign. Last evaluated: 2023-03-01. Review status: criteria provided, single submitter. Criteria: CeGaT Center For Human Genetics Tuebingen Variant Classification Criteria Version 2. Collection method: clinical testing. Allele origin: germline. Affected: yes. Observed: 5 variant alleles.
Comment: ATRX: PP2, BP4, BS2

Department of Pathology and Laboratory Medicine, Sinai Health System
Classification: Likely benign for ATR-X-related syndrome. Last evaluated: 2022-04-08. Review status: criteria provided, single submitter. Criteria: ACMG Guidelines, 2015. Collection method: research. Allele origin: germline.

GeneDx
Classification: Likely benign. Last evaluated: 2021-01-14. Review status: criteria provided, single submitter. Criteria: GeneDx Variant Classification Process June 2021. Collection method: clinical testing. Allele origin: germline. Affected: yes.

PreventionGenetics, part of Exact Sciences
Classification: Likely benign for ATRX-related condition. Last evaluated: 2022-06-09. Review status: no assertion criteria provided. Collection method: clinical testing. Allele origin: germline. Not counted in ClinVar's aggregate classification.
Comment: This variant is classified as likely benign based on ACMG/AMP sequence variant interpretation guidelines (Richards et al. 2015 PMID: 25741868, with internal and published modifications).

Clinical Genetics DNA and cytogenetics Diagnostics Lab, Erasmus MC, Erasmus Medical Center
Classification: Likely benign. Review status: no assertion criteria provided. Collection method: clinical testing. Allele origin: germline. Affected: yes. Study: VKGL Data-share Consensus. Not counted in ClinVar's aggregate classification.

Genome Diagnostics Laboratory, University Medical Center Utrecht
Classification: Likely benign. Review status: no assertion criteria provided. Collection method: clinical testing. Allele origin: germline. Affected: yes. Study: VKGL Data-share Consensus. Not counted in ClinVar's aggregate classification.

NM_000489.6(ATRX):c.1303A>G (p.Ile435Val)

Gene: ATRX (ATRX chromatin remodeler; minus strand). Cytogenetic location: Xq21.1.
Variant type: single nucleotide variant.
Coding change: c.1303A>G on transcript NM_000489.6 (MANE Select); coding-DNA position 1303, A replaced by G.
Protein change: p.Ile435Val; replaces isoleucine 435 with valine.
Molecular consequence: missense variant.
Genome position (GRCh38, 1-based): chrX:77,683,953, T>C on the plus strand (A>G on the coding strand, the complement: ATRX is on the minus strand). VCF-style: chrX-77683953-T-C. GRCh37 (hg19) VCF-style: chrX-76939445-T-C.
Other names: c.1189A>G, p.Ile397Val (NM_138270.5); short protein forms I435V, I397V.
Identifiers: ClinVar variation 696189 (VCV000696189.56), dbSNP rs371580333, ClinGen allele CA10458219.